The following is an entry in ClinVar:

NM_000478.6(ALPL):c.1256del (p.Pro419fs)

Gene: ALPL (alkaline phosphatase, biomineralization associated; plus strand). Cytogenetic location: 1p36.12.
Variant type: Deletion.
Coding change: c.1256del on transcript NM_000478.6 (MANE Select); coding-DNA position 1256, one base deleted (C; older notation c.1256delC).
Protein change: p.Pro419fs; shifts the reading frame from proline 419.
Molecular consequence: frameshift variant.
Genome position (GRCh38, 1-based): chr1:21,576,588, C deleted; the last of 2 consecutive C bases (chr1:21,576,587-21,576,588); deleting either gives the same sequence. VCF-style (leftmost placement, unchanged base first): chr1-21576586-GC-G. GRCh37 (hg19) VCF-style: chr1-21903079-GC-G.
Other names: c.1091del, p.Pro364fs (NM_001127501.4); c.1025del, p.Pro342fs (NM_001177520.3); c.1256del, p.Pro419fs (NM_001369803.2, NM_001369804.2, NM_001369805.2); short protein forms P342fs, P364fs, P419fs.
Identifiers: ClinVar variation 4086882 (VCV004086882.1).
Genomic context (GRCh38, chr1:21,576,586, plus strand): 5'-GGCCCCCATGCTGAGTGACACAGACAAGAAGCCCTTCACTGCCATCCTGTATGGCAATGG[GC>G]CTGGCTACAAGGTGGTGGGCGGTGAACGAGAGAATGTCTCCATGGTGGACTATGGTGAGA-3'

ClinVar aggregate classification (germline): Pathogenic (1 of 4 stars; one submission).

Conditions:
Hypophosphatasia. Also called: Phosphoethanol-aminuria. Identifiers: Orphanet 436, MedGen C0020630, MeSH D007014, MONDO:0018570.

Submission:

Genomenon, Inc
Classification: Pathogenic for Hypophosphatasia. Last evaluated: 2025-08-29. Review status: criteria provided, single submitter. Criteria: Genomenon Sequence Variant Interpretation Standards. Collection method: curation. Allele origin: germline. Affected: yes.
Comment: ALPL p.Pro419LeufsTer65 (c.1256del) is a frameshift variant that results in the production of a truncated protein. This variant has been observed in a proband affected with hypophosphatasia (PMID:10679946). It is absent or not present at a significant frequency in gnomAD. In conclusion, we classify ALPL p.Pro419LeufsTer65 (c.1256del) as a pathogenic variant.

Literature cited by the submitters: PubMed 10679946.